The following is an entry in ClinVar:

ClinVar aggregate classification (germline): Pathogenic (1 of 4 stars; one submission).

Submission:

Quest Diagnostics Nichols Institute San Juan Capistrano
Classification: Pathogenic. Last evaluated: 2024-12-27. Review status: criteria provided, single submitter. Criteria: ACMG/ClinGen CNV Guidelines, 2019. Collection method: clinical testing. Allele origin: unknown.
Comment: The 7p22.2p21.3 duplication involves at least 46 protein-coding genes. Duplications within 7p22.2p21.3 have been identified in multiple individuals with various phenotypes (Caselli 2015, Chui 2011, Goitia 2015, Pebrel-Richard 2014, Preiksaitiene 2012, Ronzoni 2017). There are no similar copy number gains of this region in the general populations of the Database of Genomic Variants. Thus, based on current medical literature, this copy number variant (CNV) is classified as pathogenic. References: Caselli et al., Eur J Med Genet. 2015 Nov;58(11):578-83. PMID: 26297194 Chui et al., Am J Med Genet A. 2011 Oct;155A(10):2508-11. PMID: 21998864 Goitia et al., Case Rep Genet. 2015:2015:212436. PMID: 25893121 Pebrel-Richard et al., Am J Med Genet A. 2014 Nov;164A(11):2964-7. PMID: 25124455 Preiksaitiene et al., Am J Med Genet A. 2012 May;158A(5):1200-3. PMID: 22495914 Ronzoni et al., Eur J Med Genet. 2017 Feb;60(2):114-117. PMID: 27866048

GRCh37/hg19 7p22.2-21.3(chr7:3876162-11345148)x3

Genes: ACTB (actin beta; minus strand), AIMP2 (aminoacyl tRNA synthetase complex interacting multifunctional protein 2; plus strand), AP5Z1 (adaptor related protein complex 5 subunit zeta 1; plus strand), C1GALT1 (core 1 synthase, glycoprotein-N-acetylgalactosamine 3-beta-galactosyltransferase 1; plus strand), CCZ1 (CCZ1 vacuolar protein trafficking and biogenesis associated; plus strand) and 39 more. Cytogenetic location: 7p22.2-21.3.
Variant type: copy number gain.
Change: copy number 3 (three copies instead of two) of chr7:3,876,162-11,345,148 (7.47 Mb, GRCh37 coordinates, 1-based), cytogenetic band 7p22.2-21.3.
Identifiers: ClinVar variation 4682699 (VCV004682699.1).